The following is an entry in ClinVar:

NM_001191016.3(CASP12):c.373= (p.Arg125=)

Gene: CASP12 (caspase 12 (gene/pseudogene); minus strand). Cytogenetic location: 11q22.3.
Variant type: single nucleotide variant.
Coding change: c.373= on transcript NM_001191016.3 (MANE Select); coding-DNA position 373, no change from the reference sequence.
Protein change: p.Arg125=; no amino-acid change (arginine 125 retained).
Molecular consequence: no sequence alteration. On other transcripts: non-coding transcript variant (9).
Genome position: GRCh38 VCF-style: chr11-104892390-A-G. GRCh37 (hg19) VCF-style: chr11-104763117-G-G.
Other names: *125R.
Identifiers: ClinVar variation 929486 (VCV000929486.3), dbSNP rs497116, ClinGen allele CA227451713.

ClinVar aggregate classification (germline): risk factor (0 of 4 stars; one submission).

Conditions:
Sepsis, susceptibility to.

Allele frequency attached by ClinVar (database versions not stated): gnomAD exomes 0.00486; gnomAD 0.04126 and 0.04351; TOPMed 0.04575; 1000 Genomes Project 30x 0.05528.

Submission:

OMIM
Classification: risk factor for SEPSIS, SUSCEPTIBILITY TO. Last evaluated: 2004-05-06. Review status: no assertion criteria provided. Collection method: literature only. Allele origin: germline.

Literature cited by the submitters: PubMed 15129283.